The following is an entry in ClinVar:

NM_015512.5(DNAH1):c.6974G>A (p.Arg2325His)

Gene: DNAH1 (dynein axonemal heavy chain 1; plus strand). Cytogenetic location: 3p21.1.
Variant type: single nucleotide variant.
Coding change: c.6974G>A on transcript NM_015512.5 (MANE Select); coding-DNA position 6974, G replaced by A.
Protein change: p.Arg2325His; replaces arginine 2325 with histidine.
Molecular consequence: missense variant.
Genome position (GRCh38, 1-based): chr3:52,373,042, G>A. VCF-style: chr3-52373042-G-A. GRCh37 (hg19) VCF-style: chr3-52407058-G-A.
Other names: short protein forms R2325H.
Identifiers: ClinVar variation 652326 (VCV000652326.3), dbSNP rs777773562, ClinGen allele CA2434703.

ClinVar aggregate classification (germline): Uncertain significance (1 of 4 stars; one submission).

Conditions:
Spermatogenic failure 18. Identifiers: MedGen C4539783, MONDO:0054615, OMIM 617576.
Ciliary dyskinesia, primary, 37 (CILD37). Also called: CILIARY DYSKINESIA, PRIMARY, 37, WITH OR WITHOUT SITUS INVERSUS. Identifiers: MedGen C4539798, MONDO:0033204, OMIM 617577.

Allele frequency attached by ClinVar (database versions not stated): TOPMed 0.00001.
gnomAD v4.1: 20 of 1,611,192 alleles (0.0012%); highest among the groups gnomAD compares: African/African-American, 0.0053%; no homozygotes.

Submission:

Labcorp Genetics (formerly Invitae), Labcorp
Classification: Uncertain significance for Ciliary dyskinesia, primary, 37; Spermatogenic failure 18. Last evaluated: 2021-08-27. Review status: criteria provided, single submitter. Criteria: Invitae Variant Classification Sherloc (09022015). Collection method: clinical testing. Allele origin: germline.
Comment: This sequence change replaces arginine with histidine at codon 2325 of the DNAH1 protein (p.Arg2325His). The arginine residue is moderately conserved and there is a small physicochemical difference between arginine and histidine. The frequency data for this variant in the population databases is considered unreliable, as metrics indicate poor data quality at this position in the ExAC database. This variant has not been reported in the literature in individuals affected with DNAH1-related conditions. Algorithms developed to predict the effect of missense changes on protein structure and function are either unavailable or do not agree on the potential impact of this missense change (SIFT: "Deleterious"; PolyPhen-2: "Possibly Damaging"; Align-GVGD: "Class C0"). In summary, the available evidence is currently insufficient to determine the role of this variant in disease. Therefore, it has been classified as a Variant of Uncertain Significance.